The following is an entry in ClinVar:

NM_001009566.3(CLSTN1):c.1137G>A (p.Ser379=)

Gene: CLSTN1 (calsyntenin 1; minus strand). Cytogenetic location: 1p36.22.
Variant type: single nucleotide variant.
Coding change: c.1137G>A on transcript NM_001009566.3 (MANE Select); coding-DNA position 1137, G replaced by A.
Protein change: p.Ser379=; no amino-acid change (serine 379 retained).
Molecular consequence: synonymous variant.
Genome position (GRCh38, 1-based): chr1:9,744,492, C>T on the plus strand (G>A on the coding strand, the complement: CLSTN1 is on the minus strand). VCF-style: chr1-9744492-C-T. GRCh37 (hg19) VCF-style: chr1-9804550-C-T.
Other names: c.1137G>A, p.Ser379= (NM_001302883.1); c.1107G>A, p.Ser369= (NM_014944.4).
Identifiers: ClinVar variation 2638192 (VCV002638192.24), dbSNP rs149754530, ClinGen allele CA578466.
Genomic context (GRCh38, chr1:9,744,492, plus strand): 5'-CCTGCCGAATGGCCCATGTCTCATCCACACCGAGATGGTGAACGGCTCTTTGGGGCTGAC[C>T]GACACGACGCCATCCGGGATCCTCACTGCCTGGGTGCCGTTGAACTCAAACACCTGGTCG-3'
Protein context (NP_001009566.1, residues 369-389): QAVRIPDGVV[Ser379=]VSPKEPFTIS

ClinVar aggregate classification (germline): Likely benign (1 of 4 stars; one submission).

Allele frequency attached by ClinVar (database versions not stated): ESP Exome Variant Server 0.00008; TOPMed 0.00031; ExAC 0.00045; 1000 Genomes Project 30x 0.00047; 1000 Genomes Project 0.00060; gnomAD 0.00064.
gnomAD v4.1: 709 of 1,612,138 alleles (0.044%); highest among the groups gnomAD compares: Non-Finnish European, 0.047%; 1 homozygote.

Submission:

CeGaT Center for Human Genetics Tuebingen
Classification: Likely benign. Last evaluated: 2022-08-01. Review status: criteria provided, single submitter. Criteria: CeGaT Center For Human Genetics Tuebingen Variant Classification Criteria Version 2. Collection method: clinical testing. Allele origin: germline. Affected: yes. Observed: 1 variant allele.
Comment: CLSTN1: BP4, BP7